The following is an entry in ClinVar:

ClinVar aggregate classification (germline): Uncertain significance (0 of 4 stars; one submission).

Conditions:
SEMA3G-related disorder. Also called: SEMA3G-related condition.

Submission:

PreventionGenetics, part of Exact Sciences
Classification: Uncertain significance for SEMA3G-related condition. Last evaluated: 2024-06-12. Review status: no assertion criteria provided. Collection method: clinical testing. Allele origin: germline.
Comment: The SEMA3G c.1475C>G variant is predicted to result in the amino acid substitution p.Thr492Arg. To our knowledge, this variant has not been reported in the literature or in a large population database, indicating this variant is rare. At this time, the clinical significance of this variant is uncertain due to the absence of conclusive functional and genetic evidence.

NM_020163.3(SEMA3G):c.1475C>G (p.Thr492Arg)

Gene: SEMA3G (semaphorin 3G; minus strand). Cytogenetic location: 3p21.1.
Variant type: single nucleotide variant.
Coding change: c.1475C>G on transcript NM_020163.3 (MANE Select); coding-DNA position 1475, C replaced by G.
Protein change: p.Thr492Arg; replaces threonine 492 with arginine.
Molecular consequence: missense variant.
Genome position (GRCh38, 1-based): chr3:52,438,954, G>C on the plus strand (C>G on the coding strand, the complement: SEMA3G is on the minus strand). VCF-style: chr3-52438954-G-C. GRCh37 (hg19) VCF-style: chr3-52472970-G-C.
Other names: short protein forms T492R.
Identifiers: ClinVar variation 3345641 (VCV003345641.1).